The following is an entry in ClinVar:

NM_004304.5(ALK):c.3791G>T (p.Arg1264Ile)

Gene: ALK (ALK receptor tyrosine kinase; minus strand). Cytogenetic location: 2p23.2.
Variant type: single nucleotide variant.
Coding change: c.3791G>T on transcript NM_004304.5 (MANE Select); coding-DNA position 3791, G replaced by T.
Protein change: p.Arg1264Ile; replaces arginine 1264 with isoleucine.
Molecular consequence: missense variant.
Genome position (GRCh38, 1-based): chr2:29,209,831, C>A on the plus strand (G>T on the coding strand, the complement: ALK is on the minus strand). VCF-style: chr2-29209831-C-A. GRCh37 (hg19) VCF-style: chr2-29432697-C-A.
Other names: c.587G>T, p.Arg196Ile (NM_001353765.2); c.3791G>T (NM_004304.4); short protein forms R196I, R1264I.
Identifiers: ClinVar variation 2954658 (VCV002954658.4), dbSNP rs1010341473, ClinGen allele CA346469690.
Genomic context (GRCh38, chr2:29,209,831, plus strand): 5'-GCAGTCTTTACTCACCTGTAGATGTCTCGGGCCATCCCGAAGTCTCCAATCTTGGCCACT[C>A]TTCCAGGGCCTGGACAGGTCAAGAGGCAGTTTCTGGCAGCAATGTCTCTGGGAAGAAAGG-3'
Protein context (NP_004295.2, residues 1254-1274): NCLLTCPGPG[Arg1264Ile]VAKIGDFGMA

ClinVar aggregate classification (germline): Uncertain significance. Review status: criteria provided, multiple submitters, no conflicts (2 of 4 stars). 2 submissions from 2 submitters: Uncertain significance (2). Last evaluated 2025-02-22.

Conditions:
Neuroblastoma, susceptibility to, 3. Also called: ALK-Related Neuroblastic Tumor Susceptibility. Identifiers: Orphanet 635, MedGen C2751681, MONDO:0013083, OMIM 613014.
Hereditary cancer-predisposing syndrome. Also called: Tumor predisposition; Hereditary Cancer Syndrome; Neoplastic Syndromes, Hereditary; Hereditary neoplastic syndrome. Identifiers: Orphanet 140162, MedGen C0027672, MeSH D009386, MONDO:0015356.

Submissions (2):

Ambry Genetics
Classification: Uncertain significance for Hereditary cancer-predisposing syndrome. Last evaluated: 2025-02-22. Review status: criteria provided, single submitter. Criteria: Ambry Variant Classification Scheme 2023. Collection method: clinical testing. Allele origin: germline.
Comment: The p.R1264I variant (also known as c.3791G>T), located in coding exon 25 of the ALK gene, results from a G to T substitution at nucleotide position 3791. The arginine at codon 1264 is replaced by isoleucine, an amino acid with similar properties. This amino acid position is conserved. In addition, this alteration is predicted to be deleterious by in silico analysis. Based on the available evidence, the clinical significance of this variant remains unclear.

Labcorp Genetics (formerly Invitae), Labcorp
Classification: Uncertain significance for Neuroblastoma, susceptibility to, 3. Last evaluated: 2023-07-03. Review status: criteria provided, single submitter. Criteria: Invitae Variant Classification Sherloc (09022015). Collection method: clinical testing. Allele origin: germline.
Comment: This variant has not been reported in the literature in individuals affected with ALK-related conditions. This variant is not present in population databases (gnomAD no frequency). This sequence change replaces arginine, which is basic and polar, with isoleucine, which is neutral and non-polar, at codon 1264 of the ALK protein (p.Arg1264Ile). An algorithm developed to predict the effect of missense changes on protein structure and function (PolyPhen-2) suggests that this variant is likely to be disruptive. In summary, the available evidence is currently insufficient to determine the role of this variant in disease. Therefore, it has been classified as a Variant of Uncertain Significance.